The following is an entry in ClinVar:

NM_001164665.2(KIAA1549):c.2860G>T (p.Ala954Ser)

Gene: KIAA1549 (KIAA1549; minus strand). Cytogenetic location: 7q34.
Variant type: single nucleotide variant.
Coding change: c.2860G>T on transcript NM_001164665.2 (MANE Select); coding-DNA position 2860, G replaced by T.
Protein change: p.Ala954Ser; replaces alanine 954 with serine.
Molecular consequence: missense variant.
Genome position (GRCh38, 1-based): chr7:138,916,766, C>A on the plus strand (G>T on the coding strand, the complement: KIAA1549 is on the minus strand). VCF-style: chr7-138916766-C-A. GRCh37 (hg19) VCF-style: chr7-138601512-C-A.
Other names: c.2860G>T, p.Ala954Ser (NM_020910.3); short protein forms A954S.
Identifiers: ClinVar variation 1363868 (VCV001363868.8), dbSNP rs558202161, ClinGen allele CA369391765.
Genomic context (GRCh38, chr7:138,916,766, plus strand): 5'-AGATTGCCCACCCCAGAGAGGCGGCAGGAAGCTGGGCCTTACCAGTTGTGATCAGATAGG[C>A]ATCGGGGACTGTGATATCACAAACATATGGCGGCTTGGCAGTAGCCAGTGTTGGTGTGTC-3'
Protein context (NP_001158137.1, residues 944-964): PYVCDITVPD[Ala954Ser]YLITTVLARR

ClinVar aggregate classification (germline): Uncertain significance (1 of 4 stars; one submission).

Submission:

Labcorp Genetics (formerly Invitae), Labcorp
Classification: Uncertain significance. Last evaluated: 2022-08-31. Review status: criteria provided, single submitter. Criteria: Invitae Variant Classification Sherloc (09022015). Collection method: clinical testing. Allele origin: germline.
Comment: In summary, the available evidence is currently insufficient to determine the role of this variant in disease. Therefore, it has been classified as a Variant of Uncertain Significance. Algorithms developed to predict the effect of missense changes on protein structure and function are either unavailable or do not agree on the potential impact of this missense change (SIFT: "Deleterious"; PolyPhen-2: "Benign"; Align-GVGD: "Class C0"). ClinVar contains an entry for this variant (Variation ID: 1363868). This variant has not been reported in the literature in individuals affected with KIAA1549-related conditions. This variant is not present in population databases (gnomAD no frequency). This sequence change replaces alanine, which is neutral and non-polar, with serine, which is neutral and polar, at codon 954 of the KIAA1549 protein (p.Ala954Ser).